The following is an entry in ClinVar:

NM_001283009.2(RTEL1):c.477+10T>C

Genes: RTEL1 (regulator of telomere elongation helicase 1; plus strand), RTEL1-TNFRSF6B (RTEL1-TNFRSF6B readthrough (NMD candidate); plus strand). Cytogenetic location: 20q13.33.
Variant type: single nucleotide variant.
Coding change: c.477+10T>C on transcript NM_001283009.2 (MANE Select); 10 bases into the intron after coding-DNA position 477, T replaced by C.
Molecular consequence: intron variant.
Genome position (GRCh38, 1-based): chr20:63,662,637, T>C. VCF-style: chr20-63662637-T-C. GRCh37 (hg19) VCF-style: chr20-62293990-T-C.
Other names: c.-193+10T>C (NM_001283010.1); c.549+10T>C (NM_032957.5, NM_032957.4); c.477+10T>C (NM_016434.4).
Identifiers: ClinVar variation 719423 (VCV000719423.14), dbSNP rs767872427, ClinGen allele CA9964266.

ClinVar aggregate classification (germline): Likely benign. Review status: criteria provided, multiple submitters, no conflicts (2 of 4 stars). 3 submissions from 3 submitters: Likely benign (2). 1 of the submissions does not count toward it. Last evaluated 2025-12-01.

Conditions:
RTEL1-related disorder. Also called: RTEL1-related disorders; RTEL1-related condition.
Pulmonary fibrosis and/or bone marrow failure, Telomere-related, 3. Also called: PULMONARY FIBROSIS AND/OR BONE MARROW FAILURE SYNDROME, TELOMERE-RELATED, 3. Identifiers: Orphanet 2032, MedGen C4225346, MONDO:0014613, OMIM 616373.
Dyskeratosis congenita, autosomal recessive 5 (DKCB5). Identifiers: MedGen C3554656, MONDO:0014076, OMIM 615190.

Allele frequency attached by ClinVar (database versions not stated): TOPMed 0.00009; ExAC 0.00010; gnomAD 0.00010 and 0.00011; gnomAD exomes 0.00010 and 0.00015.
gnomAD v4.1: 258 of 1,613,712 alleles (0.016%); highest among the groups gnomAD compares: Non-Finnish European, 0.018%; no homozygotes.

Submissions (3):

Labcorp Genetics (formerly Invitae), Labcorp
Classification: Likely benign for Dyskeratosis congenita, autosomal recessive 5; Pulmonary fibrosis and/or bone marrow failure, Telomere-related, 3. Last evaluated: 2025-12-01. Review status: criteria provided, single submitter. Criteria: Invitae Variant Classification Sherloc (09022015). Collection method: clinical testing. Allele origin: germline.

Blueprint Genetics
Classification: Likely benign. Last evaluated: 2024-11-06. Review status: criteria provided, single submitter. Criteria: ACMG Guidelines, 2015. Collection method: clinical testing. Allele origin: germline.

PreventionGenetics, part of Exact Sciences
Classification: Likely benign for RTEL1-related condition. Last evaluated: 2019-07-26. Review status: no assertion criteria provided. Collection method: clinical testing. Allele origin: germline. Not counted in ClinVar's aggregate classification.
Comment: This variant is classified as likely benign based on ACMG/AMP sequence variant interpretation guidelines (Richards et al. 2015 PMID: 25741868, with internal and published modifications).